The following is an entry in ClinVar:

NM_000180.4(GUCY2D):c.2392A>G (p.Met798Val)

Gene: GUCY2D (guanylate cyclase 2D, retinal; plus strand). Cytogenetic location: 17p13.1.
Variant type: single nucleotide variant.
Coding change: c.2392A>G on transcript NM_000180.4 (MANE Select); coding-DNA position 2392, A replaced by G.
Protein change: p.Met798Val; replaces methionine 798 with valine.
Molecular consequence: missense variant.
Genome position (GRCh38, 1-based): chr17:8,014,008, A>G. VCF-style: chr17-8014008-A-G. GRCh37 (hg19) VCF-style: chr17-7917326-A-G.
Other names: short protein forms M798V.
Identifiers: ClinVar variation 1382162 (VCV001382162.8), dbSNP rs1975911307, ClinGen allele CA397953320.

ClinVar aggregate classification (germline): Uncertain significance (1 of 4 stars; one submission).

Conditions:
Cone-rod dystrophy 6 (CORD6). Also called: Cone dystrophy progressive; RETINAL CONE DYSTROPHY 2. Identifiers: Orphanet 1872, MedGen C1866293, MONDO:0011143, OMIM 601777.
Leber congenital amaurosis 1 (LCA1). Also called: RETINAL BLINDNESS, CONGENITAL; AMAUROSIS CONGENITA OF LEBER I; Congenital absence of the rods and cones; Leber's congenital tapetoretinal degeneration; Leber's congenital tapetoretinal dysplasia. Identifiers: Orphanet 65, MedGen C2931258, MONDO:0008764, OMIM 204000.

gnomAD v4.1: 2 of 1,613,546 alleles (0.00012%); highest among the groups gnomAD compares: Non-Finnish European, 0.000085%; no homozygotes.

Submission:

Labcorp Genetics (formerly Invitae), Labcorp
Classification: Uncertain significance for Leber congenital amaurosis 1; Cone-rod dystrophy 6. Last evaluated: 2022-09-06. Review status: criteria provided, single submitter. Criteria: Invitae Variant Classification Sherloc (09022015). Collection method: clinical testing. Allele origin: germline.
Comment: This sequence change replaces methionine, which is neutral and non-polar, with valine, which is neutral and non-polar, at codon 798 of the GUCY2D protein (p.Met798Val). This variant is not present in population databases (gnomAD no frequency). This variant has not been reported in the literature in individuals affected with GUCY2D-related conditions. ClinVar contains an entry for this variant (Variation ID: 1382162). Algorithms developed to predict the effect of missense changes on protein structure and function are either unavailable or do not agree on the potential impact of this missense change (SIFT: "Deleterious"; PolyPhen-2: "Benign"; Align-GVGD: "Class C0"). In summary, the available evidence is currently insufficient to determine the role of this variant in disease. Therefore, it has been classified as a Variant of Uncertain Significance.